The following is an entry in ClinVar:

ClinVar aggregate classification (germline): Uncertain significance (1 of 4 stars; one submission).

Submission:

GeneDx
Classification: Uncertain significance. Last evaluated: 2023-04-18. Review status: criteria provided, single submitter. Criteria: GeneDx Variant Classification Process June 2021. Collection method: clinical testing. Allele origin: germline. Affected: yes.
Comment: Identified in a case of sudden infant death syndrome (SIDS) in published literature (Tester et al., 2018); Not observed at significant frequency in large population cohorts (gnomAD); Not located in one of the three hot-spot regions of the RYR2 gene, where the majority of pathogenic missense variants occur (Medeiros-Domingo et al., 2009); In silico analysis supports that this missense variant does not alter protein structure/function; This variant is associated with the following publications: (PMID: 19926015, 29544605)

NM_001035.3(RYR2):c.6490G>A (p.Ala2164Thr)

Gene: RYR2 (ryanodine receptor 2; plus strand). Cytogenetic location: 1q43.
Variant type: single nucleotide variant.
Coding change: c.6490G>A on transcript NM_001035.3 (MANE Select); coding-DNA position 6490, G replaced by A.
Protein change: p.Ala2164Thr; replaces alanine 2164 with threonine.
Molecular consequence: missense variant.
Genome position (GRCh38, 1-based): chr1:237,631,476, G>A. VCF-style: chr1-237631476-G-A. GRCh37 (hg19) VCF-style: chr1-237794776-G-A.
Other names: short protein forms A2164T.
Identifiers: ClinVar variation 2662710 (VCV002662710.1), dbSNP rs2546906849, ClinGen allele CA345412380.